The following is an entry in ClinVar:

ClinVar aggregate classification (germline): Uncertain significance (1 of 4 stars; one submission).

Submission:

GeneDx
Classification: Uncertain significance. Last evaluated: 2026-03-19. Review status: criteria provided, single submitter. Criteria: GeneDx Variant Classification Process June 2021. Collection method: clinical testing. Allele origin: germline.
Comment: Not observed at significant frequency in large population cohorts (gnomAD); In silico analysis supports that this missense variant has a deleterious effect on protein structure/function; Does not occur within a calcium-binding-EGF-like domain (PMID: 19006240, 18767143); Has not been previously published as pathogenic or benign to our knowledge; This variant is associated with the following publications: (PMID: 19006240, 18767143)

NM_001999.4(FBN2):c.1565A>G (p.Asn522Ser)

Gene: FBN2 (fibrillin 2; minus strand). Cytogenetic location: 5q23.3.
Variant type: single nucleotide variant.
Coding change: c.1565A>G on transcript NM_001999.4 (MANE Select); coding-DNA position 1565, A replaced by G.
Protein change: p.Asn522Ser; replaces asparagine 522 with serine.
Molecular consequence: missense variant.
Genome position (GRCh38, 1-based): chr5:128,392,056, T>C on the plus strand (A>G on the coding strand, the complement: FBN2 is on the minus strand). VCF-style: chr5-128392056-T-C. GRCh37 (hg19) VCF-style: chr5-127727749-T-C.
Other names: short protein forms N522S.
Identifiers: ClinVar variation 5009453 (VCV005009453.1).